The following is an entry in ClinVar:

NM_015046.7(SETX):c.178-19C>T

Gene: SETX (senataxin; minus strand). Cytogenetic location: 9q34.13.
Variant type: single nucleotide variant.
Coding change: c.178-19C>T on transcript NM_015046.7 (MANE Select); 19 bases into the intron before coding-DNA position 178, C replaced by T.
Molecular consequence: intron variant.
Genome position (GRCh38, 1-based): chr9:132,346,490, G>A on the plus strand (C>T on the coding strand, the complement: SETX is on the minus strand). VCF-style: chr9-132346490-G-A. GRCh37 (hg19) VCF-style: chr9-135221877-G-A.
Other names: c.178-19C>T (NM_001351528.2, NM_001351527.2).
Identifiers: ClinVar variation 2925784 (VCV002925784.5), dbSNP rs775725735, ClinGen allele CA5298106.

ClinVar aggregate classification (germline): Likely benign. Review status: criteria provided, multiple submitters, no conflicts (2 of 4 stars). 2 submissions from 2 submitters: Likely benign (2). Last evaluated 2025-12-14.

Conditions:
Amyotrophic lateral sclerosis type 4 (ALS4). Also called: NEURONOPATHY, DISTAL HEREDITARY MOTOR, WITH PYRAMIDAL FEATURES; AMYOTROPHIC LATERAL SCLEROSIS 4, JUVENILE. Identifiers: Orphanet 357043, MedGen C1865409, MONDO:0011223, OMIM 602433.
Spinocerebellar ataxia, autosomal recessive, with axonal neuropathy 2 (SCAN2). Also called: Ataxia-ocular apraxia-2; Ataxia with Oculomotor Apraxia Type 2; ATAXIA-OCULOMOTOR APRAXIA 2; Ataxia with Oculomotor Apraxia. Identifiers: Orphanet 64753, MedGen C1853761, MONDO:0018996, OMIM 606002.

Allele frequency attached by ClinVar (database versions not stated): gnomAD exomes below 0.00001; gnomAD 0.00001; TOPMed 0.00001; ExAC 0.00004.
gnomAD v4.1: 5 of 1,545,158 alleles (0.00032%); highest among the groups gnomAD compares: Middle Eastern, 0.02%; no homozygotes.

Submissions (2):

Labcorp Genetics (formerly Invitae), Labcorp
Classification: Likely benign for Amyotrophic lateral sclerosis type 4; Spinocerebellar ataxia, autosomal recessive, with axonal neuropathy 2. Last evaluated: 2025-12-14. Review status: criteria provided, single submitter. Criteria: Invitae Variant Classification Sherloc (09022015). Collection method: clinical testing. Allele origin: germline.

Women's Health and Genetics/Laboratory Corporation of America, LabCorp
Classification: Likely benign. Last evaluated: 2025-04-21. Review status: criteria provided, single submitter. Criteria: LabCorp Variant Classification Summary - May 2015. Collection method: clinical testing. Allele origin: germline.
Comment: Variant summary: SETX c.178-19C>T alters a non-conserved nucleotide located at a position not widely known to affect splicing. Consensus agreement among computation tools predict no significant impact on normal splicing. However, these predictions have yet to be confirmed by functional studies. The variant allele was found at a frequency of 2.6e-06 in 1539262 control chromosomes. The available data on variant occurrences in the general population are insufficient to allow any conclusion about variant significance. To our knowledge, no occurrence of c.178-19C>T in individuals affected with Spinocerebellar ataxia, autosomal recessive, with axonal neuropathy 2 and no experimental evidence demonstrating its impact on protein function have been reported. ClinVar contains an entry for this variant (Variation ID: 2925784). Based on the evidence outlined above, the variant was classified as likely benign.